The following is an entry in ClinVar:

NM_002227.4(JAK1):c.3317A>C (p.Asn1106Thr)

Gene: JAK1 (Janus kinase 1; minus strand). Cytogenetic location: 1p31.3.
Variant type: single nucleotide variant.
Coding change: c.3317A>C on transcript NM_002227.4 (MANE Select); coding-DNA position 3317, A replaced by C.
Protein change: p.Asn1106Thr; replaces asparagine 1106 with threonine.
Molecular consequence: missense variant.
Genome position (GRCh38, 1-based): chr1:64,835,448, T>G on the plus strand (A>C on the coding strand, the complement: JAK1 is on the minus strand). VCF-style: chr1-64835448-T-G. GRCh37 (hg19) VCF-style: chr1-65301131-T-G.
Other names: c.3317A>C, p.Asn1106Thr (NM_001320923.2, NM_001321852.2, NM_001321853.2 and 3 more transcripts); c.3314A>C, p.Asn1105Thr (NM_001321857.2); short protein forms N1105T, N1106T.
Identifiers: ClinVar variation 1965949 (VCV001965949.5), dbSNP rs776821801, ClinGen allele CA892480.

ClinVar aggregate classification (germline): Uncertain significance (1 of 4 stars; one submission).

Allele frequency attached by ClinVar (database versions not stated): gnomAD exomes below 0.00001; ExAC 0.00001.
gnomAD v4.1: 3 of 1,610,186 alleles (0.00019%); highest among the groups gnomAD compares: Non-Finnish European, 0.00025%; no homozygotes.

Submission:

Labcorp Genetics (formerly Invitae), Labcorp
Classification: Uncertain significance. Last evaluated: 2022-08-23. Review status: criteria provided, single submitter. Criteria: Invitae Variant Classification Sherloc (09022015). Collection method: clinical testing. Allele origin: germline.
Comment: This sequence change replaces asparagine, which is neutral and polar, with threonine, which is neutral and polar, at codon 1106 of the JAK1 protein (p.Asn1106Thr). This variant is present in population databases (rs776821801, gnomAD 0.0009%). In summary, the available evidence is currently insufficient to determine the role of this variant in disease. Therefore, it has been classified as a Variant of Uncertain Significance. Algorithms developed to predict the effect of missense changes on protein structure and function are either unavailable or do not agree on the potential impact of this missense change (SIFT: "Not Available"; PolyPhen-2: "Benign"; Align-GVGD: "Not Available"). This variant has not been reported in the literature in individuals affected with JAK1-related conditions.